The following is an entry in ClinVar:

NM_017654.4(SAMD9):c.274A>G (p.Ser92Gly)

Gene: SAMD9 (sterile alpha motif domain containing 9; minus strand). Cytogenetic location: 7q21.2.
Variant type: single nucleotide variant.
Coding change: c.274A>G on transcript NM_017654.4 (MANE Select); coding-DNA position 274, A replaced by G.
Protein change: p.Ser92Gly; replaces serine 92 with glycine.
Molecular consequence: missense variant.
Genome position (GRCh38, 1-based): chr7:93,105,824, T>C on the plus strand (A>G on the coding strand, the complement: SAMD9 is on the minus strand). VCF-style: chr7-93105824-T-C. GRCh37 (hg19) VCF-style: chr7-92735137-T-C.
Other names: c.274A>G, p.Ser92Gly (NM_001193307.2); short protein forms S92G.
Identifiers: ClinVar variation 4629883 (VCV004629883.1).

ClinVar aggregate classification (germline): Uncertain significance (1 of 4 stars; one submission).

Conditions:
Inborn genetic diseases. Identifiers: MedGen C0950123, MeSH D030342.

gnomAD v4.1: 2 of 1,614,188 alleles (0.00012%); highest among the groups gnomAD compares: Non-Finnish European, 0.00017%; no homozygotes.

Submission:

Ambry Genetics
Classification: Uncertain significance for Inborn genetic diseases. Last evaluated: 2025-10-21. Review status: criteria provided, single submitter. Criteria: Ambry Variant Classification Scheme 2023. Collection method: clinical testing. Allele origin: germline.
Comment: The p.S92G variant (also known as c.274A>G), located in coding exon 1 of the SAMD9 gene, results from an A to G substitution at nucleotide position 274. The serine at codon 92 is replaced by glycine, an amino acid with similar properties. This amino acid position is conserved. In addition, this alteration is predicted to be tolerated by in silico analysis. Based on the available evidence, the clinical significance of this variant remains unclear.